The following is an entry in ClinVar:

ClinVar aggregate classification (germline): Likely benign. Review status: criteria provided, single submitter (1 of 4 stars). 2 submissions from 2 submitters: Likely benign (1). 1 of the submissions does not count toward it. Last evaluated 2026-01-06.

Conditions:
TONSL-related disorder. Also called: TONSL-related condition.

Allele frequency attached by ClinVar (database versions not stated): 1000 Genomes Project 30x 0.00031; TOPMed 0.00035; gnomAD 0.00036 and 0.00046; 1000 Genomes Project 0.00040; ESP Exome Variant Server 0.00069; gnomAD exomes 0.00098; ExAC 0.00106.
gnomAD v4.1: 1,191 of 1,536,964 alleles (0.077%); highest among the groups gnomAD compares: South Asian, 0.49%; 3 homozygotes.

Submissions (2):

Labcorp Genetics (formerly Invitae), Labcorp
Classification: Likely benign. Last evaluated: 2026-01-06. Review status: criteria provided, single submitter. Criteria: Invitae Variant Classification Sherloc (09022015). Collection method: clinical testing. Allele origin: germline.

PreventionGenetics, part of Exact Sciences
Classification: Likely benign for TONSL-related condition. Last evaluated: 2023-12-05. Review status: no assertion criteria provided. Collection method: clinical testing. Allele origin: germline. Not counted in ClinVar's aggregate classification.
Comment: This variant is classified as likely benign based on ACMG/AMP sequence variant interpretation guidelines (Richards et al. 2015 PMID: 25741868, with internal and published modifications).

NM_013432.5(TONSL):c.3563C>T (p.Ala1188Val)

Gene: TONSL (tonsoku like, DNA repair protein; minus strand). Cytogenetic location: 8q24.3.
Variant type: single nucleotide variant.
Coding change: c.3563C>T on transcript NM_013432.5 (MANE Select); coding-DNA position 3563, C replaced by T.
Protein change: p.Ala1188Val; replaces alanine 1188 with valine.
Molecular consequence: missense variant.
Genome position (GRCh38, 1-based): chr8:144,432,457, G>A on the plus strand (C>T on the coding strand, the complement: TONSL is on the minus strand). VCF-style: chr8-144432457-G-A. GRCh37 (hg19) VCF-style: chr8-145657840-G-A.
Other names: c.3563C>T (NM_013432.4); short protein forms A1188V.
Identifiers: ClinVar variation 1114123 (VCV001114123.9), dbSNP rs146566654, ClinGen allele CA4942450.